The following is an entry in ClinVar:

NM_001387430.1(SH2B1):c.924C>A (p.Phe308Leu)

Gene: SH2B1 (SH2B adaptor protein 1; plus strand). Cytogenetic location: 16p11.2.
Variant type: single nucleotide variant.
Coding change: c.924C>A on transcript NM_001387430.1 (MANE Select); coding-DNA position 924, C replaced by A.
Protein change: p.Phe308Leu; replaces phenylalanine 308 with leucine.
Molecular consequence: missense variant. On other transcripts: intron variant (1).
Genome position (GRCh38, 1-based): chr16:28,867,018, C>A. VCF-style: chr16-28867018-C-A. GRCh37 (hg19) VCF-style: chr16-28878339-C-A.
Other names: c.924C>A, p.Phe308Leu (NM_001145795.2, NM_001145796.2, NM_001145797.2 and 4 more transcripts); c.-26-356C>A (NM_001308294.2); short protein forms F308L.
Identifiers: ClinVar variation 3253191 (VCV003253191.3), dbSNP rs1050532578.

ClinVar aggregate classification (germline): Uncertain significance. Review status: criteria provided, multiple submitters, no conflicts (2 of 4 stars). 2 submissions from 2 submitters: Uncertain significance (2). Last evaluated 2025-05-30.

Conditions:
SH2B1-related disorder. Also called: SH2B1-related condition.

Allele frequency attached by ClinVar (database versions not stated): gnomAD exomes below 0.00001; gnomAD 0.00001; TOPMed 0.00003.
gnomAD v4.1: 4 of 1,599,616 alleles (0.00025%); highest among the groups gnomAD compares: African/African-American, 0.0027%; no homozygotes.

Submissions (2):

PreventionGenetics, part of Exact Sciences
Classification: Uncertain significance for SH2B1-related condition. Last evaluated: 2025-05-30. Review status: criteria provided, single submitter. Criteria: ACMG Guidelines, 2015. Collection method: clinical testing. Allele origin: germline.
Comment: The SH2B1 c.924C>A variant is predicted to result in the amino acid substitution p.Phe308Leu. To our knowledge, this variant has not been reported in the literature or in a large population database (gnomAD), indicating this variant is rare. At this time, the clinical significance of this variant is uncertain due to the absence of conclusive functional and genetic evidence.

GeneDx
Classification: Uncertain significance. Last evaluated: 2023-12-21. Review status: criteria provided, single submitter. Criteria: GeneDx Variant Classification Process June 2021. Collection method: clinical testing. Allele origin: germline. Affected: yes.
Comment: Not observed at significant frequency in large population cohorts (gnomAD); In silico analysis supports that this missense variant has a deleterious effect on protein structure/function; Has not been previously published as pathogenic or benign to our knowledge